The following is an entry in ClinVar:

ClinVar aggregate classification (germline): Conflicting classifications of pathogenicity. Review status: criteria provided, conflicting classifications (1 of 4 stars). 3 submissions from 3 submitters: Uncertain significance (2); Likely benign (1). Last evaluated 2026-03-01.

Conditions:
Congenital nephrotic syndrome. Also called: Familial nephrotic syndrome. Identifiers: MedGen C3501848, MeSH C535761, MONDO:0002350, HP:0008677.

Allele frequency attached by ClinVar (database versions not stated): 1000 Genomes Project 0.00180; 1000 Genomes Project 30x 0.00187; TOPMed 0.00373; gnomAD 0.00386 and 0.00403.
gnomAD v4.1: 8,611 of 1,455,906 alleles (0.59%); highest among the groups gnomAD compares: Non-Finnish European, 0.68%; 36 homozygotes.

Submissions (3):

CeGaT Center for Human Genetics Tuebingen
Classification: Likely benign. Last evaluated: 2026-03-01. Review status: criteria provided, single submitter. Criteria: CeGaT Center For Human Genetics Tuebingen Variant Classification Criteria Version 2. Collection method: clinical testing. Allele origin: germline. Affected: yes. Observed: 6 variant alleles.
Comment: NPHS1: BS2

Illumina Laboratory Services, Illumina
Classification: Uncertain significance for Congenital nephrotic syndrome. Last evaluated: 2018-01-12. Review status: criteria provided, single submitter. Criteria: ICSL Variant Classification Criteria 13 December 2019. Collection method: clinical testing. Allele origin: germline.

Breakthrough Genomics
Classification: Uncertain significance. Review status: criteria provided, single submitter. Criteria: ACMG Guidelines, 2015. Collection method: not provided. Allele origin: germline. Inheritance: Autosomal dominant inheritance. Affected: yes.

NM_004646.4(NPHS1):c.-57G>T

Genes: KIRREL2 (kirre like nephrin family adhesion molecule 2; plus strand), NPHS1 (NPHS1 adhesion molecule, nephrin; minus strand). Cytogenetic location: 19q13.12.
Variant type: single nucleotide variant.
Coding change: c.-57G>T on transcript NM_004646.4 (MANE Select); 57 bases upstream of the start codon, G replaced by T.
Molecular consequence: 5 prime UTR variant.
Genome position (GRCh38, 1-based): chr19:35,851,894, C>A on the plus strand (G>T on the coding strand, the complement: NPHS1 is on the minus strand). VCF-style: chr19-35851894-C-A. GRCh37 (hg19) VCF-style: chr19-36342796-C-A.
Identifiers: ClinVar variation 328885 (VCV000328885.30), dbSNP rs140404523, ClinGen allele CA10652382.